The following is an entry in ClinVar:

ClinVar aggregate classification (germline): Benign. Review status: criteria provided, multiple submitters, no conflicts (2 of 4 stars). 2 submissions from 2 submitters: Benign (2). Last evaluated 2018-06-14.

Allele frequency attached by ClinVar (database versions not stated): 1000 Genomes Project 0.02556; 1000 Genomes Project 30x 0.02655; TOPMed 0.04560; gnomAD 0.05274 and 0.05405; gnomAD exomes 0.07081.
gnomAD v4.1: 107,608 of 1,569,698 alleles (6.9%); highest among the groups gnomAD compares: Non-Finnish European, 8%; 4,224 homozygotes.

Submissions (2):

GeneDx
Classification: Benign. Last evaluated: 2018-06-14. Review status: criteria provided, single submitter. Criteria: GeneDx Variant Classification (06012015). Collection method: clinical testing. Allele origin: germline. Affected: yes.
Comment: This variant is considered likely benign or benign based on one or more of the following criteria: it is a conservative change, it occurs at a poorly conserved position in the protein, it is predicted to be benign by multiple in silico algorithms, and/or has population frequency not consistent with disease.

Breakthrough Genomics
Classification: Benign. Review status: criteria provided, single submitter. Criteria: ACMG Guidelines, 2015. Collection method: not provided. Allele origin: germline. Inheritance: Autosomal dominant inheritance. Affected: yes.

NM_001844.5(COL2A1):c.3886+75A>C

Gene: COL2A1 (collagen type II alpha 1 chain; minus strand). Cytogenetic location: 12q13.11.
Variant type: single nucleotide variant.
Coding change: c.3886+75A>C on transcript NM_001844.5 (MANE Select); 75 bases into the intron after coding-DNA position 3886, A replaced by C.
Molecular consequence: intron variant.
Genome position (GRCh38, 1-based): chr12:47,975,242, T>G on the plus strand (A>C on the coding strand, the complement: COL2A1 is on the minus strand). VCF-style: chr12-47975242-T-G. GRCh37 (hg19) VCF-style: chr12-48369025-T-G.
Other names: c.3679+75A>C (NM_033150.3).
Identifiers: ClinVar variation 675119 (VCV000675119.2), dbSNP rs56196515, ClinGen allele CA236516919.
Genomic context (GRCh38, chr12:47,975,242, plus strand): 5'-TAAGAGAGGAACCCTCTGGCGGAAACTTCCAGGCCCAGCTCTGCCCTGTACTAGGGGGCA[T>G]CTCCTCCCTTGCTGCTAGGCCTAAGGGATGACTCCCTGCTTCCCGGGGCAGGGGATCCTG-3'